The following is an entry in ClinVar:

NM_022166.4(XYLT1):c.2807C>T (p.Thr936Met)

Gene: XYLT1 (xylosyltransferase 1; minus strand). Cytogenetic location: 16p12.3.
Variant type: single nucleotide variant.
Coding change: c.2807C>T on transcript NM_022166.4 (MANE Select); coding-DNA position 2807, C replaced by T.
Protein change: p.Thr936Met; replaces threonine 936 with methionine.
Molecular consequence: missense variant.
Genome position (GRCh38, 1-based): chr16:17,108,768, G>A on the plus strand (C>T on the coding strand, the complement: XYLT1 is on the minus strand). VCF-style: chr16-17108768-G-A. GRCh37 (hg19) VCF-style: chr16-17202625-G-A.
Other names: short protein forms T936M.
Identifiers: ClinVar variation 1301770 (VCV001301770.30), dbSNP rs768752782, ClinGen allele CA7927476.

ClinVar aggregate classification (germline): Uncertain significance. Review status: criteria provided, multiple submitters, no conflicts (2 of 4 stars). 3 submissions from 3 submitters: Uncertain significance (3). Last evaluated 2024-05-03.

Conditions:
Desbuquois dysplasia 1 (DBQD1). Also called: MICROMELIC DWARFISM WITH VERTEBRAL AND METAPHYSEAL ABNORMALITIES AND ADVANCED CARPOTARSAL OSSIFICATION; DESBUQUOIS DYSPLASIA 1, KIM VARIANT. Identifiers: Orphanet 1425, MedGen C4012146, MONDO:0009629, OMIM 251450.
Autosomal recessive inherited pseudoxanthoma elasticum (PXE). Identifiers: Orphanet 758, MedGen CN032334, MONDO:0009925, OMIM 264800.

Allele frequency attached by ClinVar (database versions not stated): gnomAD 0.00003 and 0.00005; ExAC 0.00006.
gnomAD v4.1: 109 of 1,608,864 alleles (0.0068%); highest among the groups gnomAD compares: East Asian, 0.12%; no homozygotes.

Submissions (3):

Labcorp Genetics (formerly Invitae), Labcorp
Classification: Uncertain significance for Desbuquois dysplasia 1. Last evaluated: 2024-05-03. Review status: criteria provided, single submitter. Criteria: Invitae Variant Classification Sherloc (09022015). Collection method: clinical testing. Allele origin: germline.
Comment: This sequence change replaces threonine, which is neutral and polar, with methionine, which is neutral and non-polar, at codon 936 of the XYLT1 protein (p.Thr936Met). This variant is present in population databases (rs768752782, gnomAD 0.05%). This missense change has been observed in individual(s) with nonsyndromic early onset high myopia (PMID: 28085539). ClinVar contains an entry for this variant (Variation ID: 1301770). Advanced modeling of protein sequence and biophysical properties (such as structural, functional, and spatial information, amino acid conservation, physicochemical variation, residue mobility, and thermodynamic stability) has been performed at Invitae for this missense variant, however the output from this modeling did not meet the statistical confidence thresholds required to predict the impact of this variant on XYLT1 protein function. In summary, the available evidence is currently insufficient to determine the role of this variant in disease. Therefore, it has been classified as a Variant of Uncertain Significance.

CeGaT Center for Human Genetics Tuebingen
Classification: Uncertain significance. Last evaluated: 2022-04-01. Review status: criteria provided, single submitter. Criteria: CeGaT Center For Human Genetics Tuebingen Variant Classification Criteria Version 2. Collection method: clinical testing. Allele origin: germline. Affected: yes. Observed: 1 variant allele.

Dubai Health Genomic Medicine Center, Dubai Health
Classification: Uncertain significance for Autosomal recessive inherited pseudoxanthoma elasticum. Last evaluated: 2020-01-06. Review status: criteria provided, single submitter. Criteria: ACMG Guidelines, 2015. Collection method: clinical testing. Allele origin: germline. Affected: yes.

Literature cited by the submitters: PubMed 28085539 (cited by Labcorp Genetics (formerly Invitae), Labcorp).